The following is an entry in ClinVar:

ClinVar aggregate classification (germline): Uncertain significance (1 of 4 stars; one submission).

Conditions:
Hereditary cancer-predisposing syndrome. Also called: Neoplastic Syndromes, Hereditary; Hereditary neoplastic syndrome; Tumor predisposition; Hereditary Cancer Syndrome. Identifiers: Orphanet 140162, MedGen C0027672, MeSH D009386, MONDO:0015356.

Submission:

Ambry Genetics
Classification: Uncertain significance for Hereditary cancer-predisposing syndrome. Last evaluated: 2023-02-15. Review status: criteria provided, single submitter. Criteria: Ambry Variant Classification Scheme 2023. Collection method: clinical testing. Allele origin: germline.
Comment: The p.E235A variant (also known as c.704A>C), located in coding exon 4 of the RET gene, results from an A to C substitution at nucleotide position 704. The glutamic acid at codon 235 is replaced by alanine, an amino acid with dissimilar properties. This amino acid position is highly conserved in available vertebrate species. In addition, this alteration is predicted to be tolerated by in silico analysis. Since supporting evidence is limited at this time, the clinical significance of this alteration remains unclear.

NM_020975.6(RET):c.704A>C (p.Glu235Ala)

Gene: RET (ret proto-oncogene; plus strand). Cytogenetic location: 10q11.21.
Variant type: single nucleotide variant.
Coding change: c.704A>C on transcript NM_020975.6 (MANE Select); coding-DNA position 704, A replaced by C.
Protein change: p.Glu235Ala; replaces glutamic acid 235 with alanine.
Molecular consequence: missense variant. On other transcripts: 5 prime UTR variant (1), intron variant (22).
Genome position (GRCh38, 1-based): chr10:43,105,030, A>C. VCF-style: chr10-43105030-A-C. GRCh37 (hg19) VCF-style: chr10-43600478-A-C.
Other names: c.704A>C, p.Glu235Ala (NM_000323.2, NM_001406743.1, NM_001406744.1 and 8 more transcripts); c.-59A>C (NM_001355216.2); c.575A>C, p.Glu192Ala (NM_001406761.1, NM_001406762.1, NM_001406764.1 and 2 more transcripts); c.416A>C, p.Glu139Ala (NM_001406766.1, NM_001406767.1, NM_001406770.1); c.625+2401A>C (NM_001406773.1, NM_001406771.1, NM_001406782.1 and 5 more transcripts); c.496+2401A>C (NM_001406786.1, NM_001406783.1); c.338-4001A>C (NM_001406778.1, NM_001406775.1, NM_001406776.1 and 1 more transcripts); c.337+4308A>C (NM_001406790.1, NM_001406788.1, NM_001406789.1 and 1 more transcripts); and 2 more; short protein forms E139A, E192A, E235A.
Identifiers: ClinVar variation 2454144 (VCV002454144.2), dbSNP rs2132704695, ClinGen allele CA376544626.
Genomic context (GRCh38, chr10:43,105,030, plus strand): 5'-GCTGCGCCCCGGACAGCCTGGAGGTGAGCACGCGCTGGGCCCTGGACCGCGAGCAGCGGG[A>C]GAAGTACGAGCTGGTGGCCGTGTGCACCGTGCACGCCGGCGCGCGCGAGGAGGTGGTGAT-3'
Protein context (NP_066124.1, residues 225-245): TRWALDREQR[Glu235Ala]KYELVAVCTV